The following is an entry in ClinVar:

ClinVar aggregate classification (germline): Uncertain significance. Review status: criteria provided, multiple submitters, no conflicts (2 of 4 stars). 2 submissions from 2 submitters: Uncertain significance (2). Last evaluated 2025-08-21.

gnomAD v4.1: 1 of 1,613,812 alleles (0.000062%); highest among the groups gnomAD compares: Non-Finnish European, 0.000085%; no homozygotes.

Submissions (2):

Ambry Genetics
Classification: Uncertain significance. Last evaluated: 2025-08-21. Review status: criteria provided, single submitter. Criteria: Ambry Variant Classification Scheme 2023. Collection method: clinical testing. Allele origin: germline.

Labcorp Genetics (formerly Invitae), Labcorp
Classification: Uncertain significance. Last evaluated: 2025-04-07. Review status: criteria provided, single submitter. Criteria: Invitae Variant Classification Sherloc (09022015). Collection method: clinical testing. Allele origin: germline.
Comment: This sequence change replaces phenylalanine, which is neutral and non-polar, with serine, which is neutral and polar, at codon 990 of the KL protein (p.Phe990Ser). This variant is not present in population databases (gnomAD no frequency). This variant has not been reported in the literature in individuals affected with KL-related conditions. Invitae Evidence Modeling of protein sequence and biophysical properties (such as structural, functional, and spatial information, amino acid conservation, physicochemical variation, residue mobility, and thermodynamic stability) indicates that this missense variant is not expected to disrupt KL protein function with a negative predictive value of 80%. In summary, the available evidence is currently insufficient to determine the role of this variant in disease. Therefore, it has been classified as a Variant of Uncertain Significance.

NM_004795.4(KL):c.2969T>C (p.Phe990Ser)

Gene: KL (klotho; plus strand). Cytogenetic location: 13q13.1.
Variant type: single nucleotide variant.
Coding change: c.2969T>C on transcript NM_004795.4 (MANE Select); coding-DNA position 2969, T replaced by C.
Protein change: p.Phe990Ser; replaces phenylalanine 990 with serine.
Molecular consequence: missense variant.
Genome position (GRCh38, 1-based): chr13:33,064,116, T>C. VCF-style: chr13-33064116-T-C. GRCh37 (hg19) VCF-style: chr13-33638253-T-C.
Other names: short protein forms F990S.
Identifiers: ClinVar variation 4093220 (VCV004093220.2).
Genomic context (GRCh38, chr13:33,064,116, plus strand): 5'-GTACTGAGTGCAGTTTTTTTCACACCCGAAAGTCTTTACTGGCTTTCATAGCTTTTCTAT[T>C]TTTTGCTTCTATTATTTCTCTCTCCCTTATATTTTACTACTCGAAGAAAGGCAGAAGAAG-3'
Protein context (NP_004786.2, residues 980-1000): KSLLAFIAFL[Phe990Ser]FASIISLSLI